The following is an entry in ClinVar:

ClinVar aggregate classification (germline): Uncertain significance (1 of 4 stars; one submission).

Submission:

Labcorp Genetics (formerly Invitae), Labcorp
Classification: Uncertain significance. Last evaluated: 2023-12-11. Review status: criteria provided, single submitter. Criteria: Invitae Variant Classification Sherloc (09022015). Collection method: clinical testing. Allele origin: germline.
Comment: This sequence change replaces glutamic acid, which is acidic and polar, with glutamine, which is neutral and polar, at codon 1736 of the MYH7B protein (p.Glu1736Gln). This variant is not present in population databases (gnomAD no frequency). This variant has not been reported in the literature in individuals affected with MYH7B-related conditions. ClinVar contains an entry for this variant (Variation ID: 1473787). Advanced modeling of protein sequence and biophysical properties (such as structural, functional, and spatial information, amino acid conservation, physicochemical variation, residue mobility, and thermodynamic stability) has been performed at Invitae for this missense variant, however the output from this modeling did not meet the statistical confidence thresholds required to predict the impact of this variant on MYH7B protein function. In summary, the available evidence is currently insufficient to determine the role of this variant in disease. Therefore, it has been classified as a Variant of Uncertain Significance.

NM_020884.7(MYH7B):c.5080G>C (p.Glu1694Gln)

Gene: MYH7B (myosin heavy chain 7B; plus strand). Cytogenetic location: 20q11.22.
Variant type: single nucleotide variant.
Coding change: c.5080G>C on transcript NM_020884.7 (MANE Select); coding-DNA position 5080, G replaced by C.
Protein change: p.Glu1694Gln; replaces glutamic acid 1694 with glutamine.
Molecular consequence: missense variant.
Genome position (GRCh38, 1-based): chr20:35,000,591, G>C. VCF-style: chr20-35000591-G-C. GRCh37 (hg19) VCF-style: chr20-33588394-G-C.
Other names: short protein forms E1694Q.
Identifiers: ClinVar variation 1473787 (VCV001473787.8), dbSNP rs1382559304, ClinGen allele CA408718342.